The following is an entry in ClinVar:

NM_000143.4(FH):c.316G>A (p.Val106Ile)

Gene: FH (fumarate hydratase; minus strand). Cytogenetic location: 1q43.
Variant type: single nucleotide variant.
Coding change: c.316G>A on transcript NM_000143.4 (MANE Select); coding-DNA position 316, G replaced by A.
Protein change: p.Val106Ile; replaces valine 106 with isoleucine.
Molecular consequence: missense variant.
Genome position (GRCh38, 1-based): chr1:241,513,665, C>T on the plus strand (G>A on the coding strand, the complement: FH is on the minus strand). VCF-style: chr1-241513665-C-T. GRCh37 (hg19) VCF-style: chr1-241676965-C-T.
Other names: short protein forms V106I.
Identifiers: ClinVar variation 3674162 (VCV003674162.2).

ClinVar aggregate classification (germline): Uncertain significance (1 of 4 stars; one submission).

Submission:

Labcorp Genetics (formerly Invitae), Labcorp
Classification: Uncertain significance. Last evaluated: 2024-03-30. Review status: criteria provided, single submitter. Criteria: Invitae Variant Classification Sherloc (09022015). Collection method: clinical testing. Allele origin: germline.
Comment: This sequence change replaces valine, which is neutral and non-polar, with isoleucine, which is neutral and non-polar, at codon 106 of the FH protein (p.Val106Ile). This variant is not present in population databases (gnomAD no frequency). This variant has not been reported in the literature in individuals affected with FH-related conditions. Advanced modeling of protein sequence and biophysical properties (such as structural, functional, and spatial information, amino acid conservation, physicochemical variation, residue mobility, and thermodynamic stability) has been performed at Invitae for this missense variant, however the output from this modeling did not meet the statistical confidence thresholds required to predict the impact of this variant on FH protein function. In summary, the available evidence is currently insufficient to determine the role of this variant in disease. Therefore, it has been classified as a Variant of Uncertain Significance.